The following is an entry in ClinVar:

NM_001082538.3(TCTN1):c.232T>C (p.Cys78Arg)

Gene: TCTN1 (tectonic family member 1; plus strand). Cytogenetic location: 12q24.11.
Variant type: single nucleotide variant.
Coding change: c.232T>C on transcript NM_001082538.3 (MANE Select); coding-DNA position 232, T replaced by C.
Protein change: p.Cys78Arg; replaces cysteine 78 with arginine.
Molecular consequence: missense variant. On other transcripts: 5 prime UTR variant (1), non-coding transcript variant (1).
Genome position (GRCh38, 1-based): chr12:110,619,847, T>C. VCF-style: chr12-110619847-T-C. GRCh37 (hg19) VCF-style: chr12-111057652-T-C.
Other names: c.232T>C, p.Cys78Arg (NM_001082537.3, NM_001319680.2, NM_024549.6); c.64T>C, p.Cys22Arg (NM_001173975.3, NM_001319682.3); c.52T>C, p.Cys18Arg (NM_001173976.2); c.-476T>C (NM_001319681.2); short protein forms C78R, C22R, C18R.
Identifiers: ClinVar variation 570540 (VCV000570540.10), dbSNP rs1565956183, ClinGen allele CA386701235.

ClinVar aggregate classification (germline): Uncertain significance. Review status: criteria provided, multiple submitters, no conflicts (2 of 4 stars). 2 submissions from 2 submitters: Uncertain significance (2). Last evaluated 2023-07-11.

Conditions:
Meckel-Gruber syndrome. Also called: DYSENCEPHALIA SPLANCHNOCYSTICA; GRUBER SYNDROME; Dysencephalia splachnocystica. Identifiers: Orphanet 564, MedGen C0265215, MONDO:0018921.
Joubert syndrome. Also called: JOUBERT-BOLTSHAUSER SYNDROME; Familial aplasia of the vermis. Identifiers: Orphanet 475, MedGen C5979921, MONDO:0018772.

Allele frequency attached by ClinVar (database versions not stated): gnomAD 0.00001.

Submissions (2):

Blueprint Genetics
Classification: Uncertain significance. Last evaluated: 2023-07-11. Review status: criteria provided, single submitter. Criteria: ACMG Guidelines, 2015. Collection method: clinical testing. Allele origin: germline.

Labcorp Genetics (formerly Invitae), Labcorp
Classification: Uncertain significance for Joubert syndrome; Meckel-Gruber syndrome. Last evaluated: 2018-03-06. Review status: criteria provided, single submitter. Criteria: Invitae Variant Classification Sherloc (09022015). Collection method: clinical testing. Allele origin: germline.
Comment: In summary, the available evidence is currently insufficient to determine the role of this variant in disease. Therefore, it has been classified as a Variant of Uncertain Significance. Algorithms developed to predict the effect of missense changes on protein structure and function (SIFT, PolyPhen-2, Align-GVGD) all suggest that this variant is likely to be disruptive, but these predictions have not been confirmed by published functional studies and their clinical significance is uncertain. This variant has not been reported in the literature in individuals with TCTN1-related disease. This variant is not present in population databases (ExAC no frequency). This sequence change replaces cysteine with arginine at codon 78 of the TCTN1 protein (p.Cys78Arg). The cysteine residue is highly conserved and there is a large physicochemical difference between cysteine and arginine.